The following is an entry in ClinVar:

NM_015627.3(LDLRAP1):c.400C>T (p.Gln134Ter)

Gene: LDLRAP1 (low density lipoprotein receptor adaptor protein 1; plus strand). Cytogenetic location: 1p36.11.
Variant type: single nucleotide variant.
Coding change: c.400C>T on transcript NM_015627.3 (MANE Select); coding-DNA position 400, C replaced by T.
Protein change: p.Gln134Ter; replaces glutamine 134 with a stop codon.
Molecular consequence: nonsense.
Genome position (GRCh38, 1-based): chr1:25,557,208, C>T. VCF-style: chr1-25557208-C-T. GRCh37 (hg19) VCF-style: chr1-25883699-C-T.
Other names: short protein forms Q134*.
Identifiers: ClinVar variation 1074905 (VCV001074905.8), dbSNP rs751920586, ClinGen allele CA695538.
Genomic context (GRCh38, chr1:25,557,208, plus strand): 5'-TTCAGGATCTCCTATTGCACAGCAGACAAGATGCACGACAAGGTGTTTGCATACATCGCC[C>T]AGAGCCAGCACAACCAGAGCCTCGAGTGCCACGCCTTCCTCTGCACCAAGCGGAAGATGG-3'

ClinVar aggregate classification (germline): Pathogenic (1 of 4 stars; one submission).

Conditions:
Hypercholesterolemia, familial, 4 (FHCL4). Also called: HYPERCHOLESTEROLEMIA, AUTOSOMAL RECESSIVE, 1; HYPERCHOLESTEROLEMIA, AUTOSOMAL RECESSIVE, 2. Identifiers: Orphanet 391665, MedGen C1863512, MONDO:0011374, OMIM 603813.

Allele frequency attached by ClinVar (database versions not stated): ExAC 0.00001; gnomAD exomes 0.00001.

Submission:

Labcorp Genetics (formerly Invitae), Labcorp
Classification: Pathogenic for Hypercholesterolemia, familial, 4. Last evaluated: 2022-08-04. Review status: criteria provided, single submitter. Criteria: Invitae Variant Classification Sherloc (09022015). Collection method: clinical testing. Allele origin: germline.
Comment: This variant is present in population databases (rs751920586, gnomAD 0.0009%). This variant has not been reported in the literature in individuals affected with LDLRAP1-related conditions. ClinVar contains an entry for this variant (Variation ID: 1074905). For these reasons, this variant has been classified as Pathogenic. This sequence change creates a premature translational stop signal (p.Gln134*) in the LDLRAP1 gene. It is expected to result in an absent or disrupted protein product. Loss-of-function variants in LDLRAP1 are known to be pathogenic (PMID: 11326085, 12464675).

Literature cited by the submitters: PubMed 11326085; PubMed 12464675.